The following is an entry in ClinVar:

ClinVar aggregate classification (germline): Uncertain significance (1 of 4 stars; one submission).

Conditions:
Inborn genetic diseases. Identifiers: MedGen C0950123, MeSH D030342.

Submission:

Ambry Genetics
Classification: Uncertain significance for Inborn genetic diseases. Last evaluated: 2026-07-27. Review status: criteria provided, single submitter. Criteria: Ambry Variant Classification Scheme 2023. Collection method: clinical testing. Allele origin: germline.
Comment: The p.A102G variant (also known as c.305C>G), located in coding exon 1 of the SH2B3 gene, results from a C to G substitution at nucleotide position 305. The alanine at codon 102 is replaced by glycine, an amino acid with similar properties. This amino acid position is conserved. In addition, this alteration is predicted to be tolerated by in silico analysis. Based on the available evidence, the clinical significance of this variant remains unclear.

NM_005475.3(SH2B3):c.305C>G (p.Ala102Gly)

Gene: SH2B3 (SH2B adaptor protein 3; plus strand). Cytogenetic location: 12q24.12.
Variant type: single nucleotide variant.
Coding change: c.305C>G on transcript NM_005475.3 (MANE Select); coding-DNA position 305, C replaced by G.
Protein change: p.Ala102Gly; replaces alanine 102 with glycine.
Molecular consequence: missense variant.
Genome position (GRCh38, 1-based): chr12:111,418,450, C>G. VCF-style: chr12-111418450-C-G. GRCh37 (hg19) VCF-style: chr12-111856254-C-G.
Other names: short protein forms A102G.
Identifiers: ClinVar variation 5029488 (VCV005029488.1).